The following is an entry in ClinVar:

ClinVar aggregate classification (germline): Conflicting classifications of pathogenicity. Review status: criteria provided, conflicting classifications (1 of 4 stars). 7 submissions from 7 submitters: Likely pathogenic (5); Uncertain significance (2). Last evaluated 2026-09-24.

Conditions:
Lower limb amyotrophy. Identifiers: MedGen C4024921, HP:0007210.
Lower limb muscle weakness. Identifiers: MedGen C1836296, HP:0007340.
Polycystic kidney disease. Also called: Kidney, Polycystic; Polycystic kidney dysplasia. Identifiers: MedGen C0022680, MeSH D007690, MONDO:0020642, HP:0000113.
Elevated circulating creatine kinase activity. Also called: Elevated serum creatine phosphokinase; Elevated creatine kinase; Elevated circulating creatine kinase concentration. Identifiers: MedGen C0241005, HP:0003236.
Achilles tendon contracture. Identifiers: MedGen C0410264, HP:0001771.
Polycystic kidney disease, adult type (PKD1). Also called: Polycystic Kidney Disease 1, Autosomal Dominant; Polycystic kidney disease 1; Polycystic kidney disease 1, severe; Polycystic Kidney, Autosomal Dominant; POLYCYSTIC KIDNEY DISEASE 1 WITH OR WITHOUT POLYCYSTIC LIVER DISEASE; POLYCYSTIC KIDNEY DISEASE, ADULT, TYPE I. Identifiers: MedGen C3149841, MONDO:0008263, OMIM 173900.
PKD1-related disorder. Also called: PKD1-related condition.

Submissions (7):

GeneDx
Classification: Likely pathogenic. Last evaluated: 2026-09-24. Review status: criteria provided, single submitter. Criteria: GeneDx Variant Classification Process June 2021. Collection method: clinical testing. Allele origin: germline.
Comment: Reported in at least one individual from a cohort of individuals with ADPKD in published literature (PMID: 42412748); Not observed at significant frequency in large population cohorts (gnomAD); In-frame deletion of 1 amino acid(s) in a non-repeat region; In silico analysis supports a deleterious effect on protein structure/function; This variant is associated with the following publications: (PMID: 42412748)

PreventionGenetics, part of Exact Sciences
Classification: Likely pathogenic for PKD1-related condition. Last evaluated: 2026-03-05. Review status: criteria provided, single submitter. Criteria: ACMG Guidelines, 2015. Collection method: clinical testing. Allele origin: germline.
Comment: The PKD1 c.7570_7572delGAG variant is predicted to result in an in-frame deletion (p.Glu2524del). This variant has been reported in two families with autosomal dominant polycystic kidney disease (ADPKD) (Supplemental Table 2, Heyer et al. 2016. PubMed ID: 26823553). In addition, this variant was also found in individuals with PKD at PreventionGenetics (internal data). Of note, in-frame small deletions in PKD1 have been commonly found to be pathogenic for ADPKD. This variant has not been reported in a large population database (gnomAD), indicating this variant is rare. This variant is interpreted as likely pathogenic.

Fulgent Genetics
Classification: Likely pathogenic for Polycystic kidney disease, adult type. Last evaluated: 2024-05-21. Review status: criteria provided, single submitter. Criteria: ACMG Guidelines, 2015. Collection method: clinical testing. Allele origin: germline.

Department of Pathology and Laboratory Medicine, Sinai Health System
Classification: Uncertain significance for Polycystic kidney disease, adult type. Last evaluated: 2023-12-13. Review status: criteria provided, single submitter. Criteria: ACMG Guidelines, 2015. Collection method: clinical testing. Allele origin: germline. Affected: yes.

Blueprint Genetics
Classification: Likely pathogenic for PKD1-related disorders. Last evaluated: 2021-06-16. Review status: criteria provided, single submitter. Criteria: ACMG Guidelines, 2015. Collection method: clinical testing. Allele origin: germline. Affected: yes. Observed: 1 variant allele.

AiLife Diagnostics
Classification: Uncertain significance. Last evaluated: 2021-03-10. Review status: criteria provided, single submitter. Criteria: ACMG Guidelines, 2015. Collection method: clinical testing. Allele origin: germline. Affected: yes. Observed: 1 variant allele.

Centre for Mendelian Genomics, University Medical Centre Ljubljana
Classification: Likely pathogenic for Achilles tendon contracture; Elevated circulating creatine kinase activity; Lower limb amyotrophy; Lower limb muscle weakness; Polycystic kidney disease. Last evaluated: 2017-01-01. Review status: criteria provided, single submitter. Criteria: ACMG Guidelines, 2015. Collection method: clinical testing. Allele origin: unknown. Affected: yes.

NM_001009944.3(PKD1):c.7567GAG[1] (p.Glu2524del)

Gene: PKD1 (polycystin 1, transient receptor potential channel interacting; minus strand). Cytogenetic location: 16p13.3.
Variant type: Microsatellite.
Coding change: c.7567GAG[1] on transcript NM_001009944.3 (MANE Select); one copy of the 3-base unit GAG starting at c.7567; the reference has two copies in a row; one copy, 3 bases deleted; also written c.7570_7572del.
Protein change: p.Glu2524del; deletes glutamic acid 2524.
Molecular consequence: inframe deletion.
Genome position (GRCh38, 1-based): chr16:2,106,222-2,106,224, CTC deleted on the plus strand (GAG on the coding strand, the reverse complement: PKD1 is on the minus strand); deleting any 3 consecutive bases within chr16:2,106,222-2,106,227 gives the same sequence; the position shown is the placement nearest the transcript's 3' end. VCF-style (leftmost placement, unchanged base first): chr16-2106221-ACTC-A. GRCh37 (hg19) VCF-style: chr16-2156222-ACTC-A.
Other names: c.7570_7572delGAG (NM_001009944.2); c.7570_7572del (NM_001009944.3); c.7567GAG[1], p.Glu2524del (NM_000296.4); short protein forms E2524del.
Identifiers: ClinVar variation 523389 (VCV000523389.9), dbSNP rs1555452876, ClinGen allele CA658798511.